The following is an entry in ClinVar:

NM_052844.4(DYNC2I2):c.103C>T (p.Pro35Ser)

Gene: DYNC2I2 (dynein 2 intermediate chain 2; minus strand). Cytogenetic location: 9q34.11.
Variant type: single nucleotide variant.
Coding change: c.103C>T on transcript NM_052844.4 (MANE Select); coding-DNA position 103, C replaced by T.
Protein change: p.Pro35Ser; replaces proline 35 with serine.
Molecular consequence: missense variant.
Genome position (GRCh38, 1-based): chr9:128,656,624, G>A on the plus strand (C>T on the coding strand, the complement: DYNC2I2 is on the minus strand). VCF-style: chr9-128656624-G-A. GRCh37 (hg19) VCF-style: chr9-131418903-G-A.
Other names: short protein forms P35S.
Identifiers: ClinVar variation 3843068 (VCV003843068.2).

ClinVar aggregate classification (germline): Uncertain significance. Review status: criteria provided, multiple submitters, no conflicts (2 of 4 stars). 2 submissions from 2 submitters: Uncertain significance (2). Last evaluated 2026-02-09.

Conditions:
Inborn genetic diseases. Identifiers: MedGen C0950123, MeSH D030342.

gnomAD v4.1: 112 of 1,498,012 alleles (0.0075%); highest among the groups gnomAD compares: Non-Finnish European, 0.0086%; no homozygotes.

Submissions (2):

GeneDx
Classification: Uncertain significance. Last evaluated: 2026-02-09. Review status: criteria provided, single submitter. Criteria: GeneDx Variant Classification Process June 2021. Collection method: clinical testing. Allele origin: germline.
Comment: In silico analysis suggests that this missense variant does not alter protein structure/function; Has not been previously published as pathogenic or benign to our knowledge

Ambry Genetics
Classification: Uncertain significance for Inborn genetic diseases. Last evaluated: 2025-02-19. Review status: criteria provided, single submitter. Criteria: Ambry Variant Classification Scheme 2023. Collection method: clinical testing. Allele origin: germline.